The following is an entry in ClinVar:

NM_031263.4(HNRNPK):c.646-1G>A

Genes: HNRNPK (heterogeneous nuclear ribonucleoprotein K; minus strand), HNRNPK-AS1 (HNRNPK antisense RNA 1; plus strand). Cytogenetic location: 9q21.32.
Variant type: single nucleotide variant.
Coding change: c.646-1G>A on transcript NM_031263.4 (MANE Select); the canonical splice acceptor site of the intron before coding-DNA position 646, G replaced by A.
Molecular consequence: splice acceptor variant.
Genome position (GRCh38, 1-based): chr9:83,972,190, C>T on the plus strand (G>A on the coding strand, the complement: HNRNPK is on the minus strand). VCF-style: chr9-83972190-C-T. GRCh37 (hg19) VCF-style: chr9-86587105-C-T.
Other names: c.646-1G>A (NM_031262.4, NM_002140.5, NM_001318188.2); c.574-1G>A (NM_001318186.2, NM_001318187.2).
Identifiers: ClinVar variation 623650 (VCV000623650.2), dbSNP rs1564062144, ClinGen allele CA373925352.

ClinVar aggregate classification (germline): Likely pathogenic (1 of 4 stars; one submission).

Conditions:
Au-Kline syndrome. Also called: Okamoto syndrome; Neurodevelopmental disorder-craniofacial dysmorphism-cardiac defect-hip dysplasia syndrome due to a point mutation. Identifiers: Orphanet 2729, Orphanet 453499, Orphanet 453504, MedGen C4225274, MONDO:0014700, OMIM 616580.

Submission:

HudsonAlpha Institute for Biotechnology
Classification: Likely pathogenic for Au-Kline syndrome. Last evaluated: 2018-10-10. Review status: criteria provided, single submitter. Criteria: ACMG Guidelines, 2015. Collection method: research. Allele origin: unknown. Affected: yes. Observed: 1 variant allele. Study: CSER-SouthSeq.
Comment: ACMG codes: PVS1, PM2